The following is an entry in ClinVar:

NM_000268.4(NF2):c.366A>G (p.Val122=)

Gene: NF2 (NF2, moesin-ezrin-radixin like (MERLIN) tumor suppressor; plus strand). Cytogenetic location: 22q12.2.
Variant type: single nucleotide variant.
Coding change: c.366A>G on transcript NM_000268.4 (MANE Select); coding-DNA position 366, A replaced by G.
Protein change: p.Val122=; no amino-acid change (valine 122 retained).
Molecular consequence: synonymous variant. On other transcripts: non-coding transcript variant (1).
Genome position (GRCh38, 1-based): chr22:29,642,204, A>G. VCF-style: chr22-29642204-A-G. GRCh37 (hg19) VCF-style: chr22-30038193-A-G.
Other names: c.366A>G, p.Val122= (NM_016418.5, NM_181825.3, NM_181832.3 and 1 more transcripts); c.240A>G, p.Val80= (NM_181828.3); c.243A>G, p.Val81= (NM_181829.3); c.117A>G, p.Val39= (NM_181830.3, NM_181831.3).
Identifiers: ClinVar variation 1621244 (VCV001621244.11), dbSNP rs750431087, ClinGen allele CA031330.

ClinVar aggregate classification (germline): Likely benign. Review status: criteria provided, multiple submitters, no conflicts (2 of 4 stars). 3 submissions from 3 submitters: Likely benign (3). Last evaluated 2025-12-23.

Conditions:
Hereditary cancer-predisposing syndrome. Also called: Tumor predisposition; Hereditary Cancer Syndrome; Hereditary neoplastic syndrome; Neoplastic Syndromes, Hereditary. Identifiers: Orphanet 140162, MedGen C0027672, MeSH D009386, MONDO:0015356.
Neurofibromatosis, type 2 (SWNV). Also called: SCHWANNOMATOSIS, VESTIBULAR; BILATERAL ACOUSTIC NEUROFIBROMATOSIS; NF2-Related Schwannomatosis. Identifiers: Orphanet 637, MedGen C0027832, MONDO:0007039, OMIM 101000. Disease mechanism: loss of function.

Allele frequency attached by ClinVar (database versions not stated): gnomAD exomes below 0.00001; ExAC 0.00001.
gnomAD v4.1: 1 of 1,613,678 alleles (0.000062%); no homozygotes.

Submissions (3):

Labcorp Genetics (formerly Invitae), Labcorp
Classification: Likely benign for Neurofibromatosis, type 2. Last evaluated: 2025-12-23. Review status: criteria provided, single submitter. Criteria: Invitae Variant Classification Sherloc (09022015). Collection method: clinical testing. Allele origin: germline.

All of Us Research Program, National Institutes of Health
Classification: Likely benign for Neurofibromatosis, type 2. Last evaluated: 2023-06-28. Review status: criteria provided, single submitter. Criteria: ACMG Guidelines, 2015. Collection method: clinical testing. Allele origin: germline. Inheritance: Autosomal dominant inheritance. Observed: 2 variant alleles, 2 heterozygotes.
Comment: This study involves interpretation of variants in research participants for the purpose of population health screening. Participant phenotype was not available at the time of variant classification. Additional details can be found in publication PMID: 35346344, PMCID: PMC8962531

Ambry Genetics
Classification: Likely benign for Hereditary cancer-predisposing syndrome. Last evaluated: 2021-05-28. Review status: criteria provided, single submitter. Criteria: Ambry Variant Classification Scheme 2023. Collection method: clinical testing. Allele origin: germline.